The following is an entry in ClinVar:

NM_022336.4(EDAR):c.175-2A>G

Genes: EDAR (ectodysplasin A receptor; minus strand), RANBP2 (RAN binding protein 2; plus strand). Cytogenetic location: 2q13.
Variant type: single nucleotide variant.
Coding change: c.175-2A>G on transcript NM_022336.4 (MANE Select); the canonical splice acceptor site of the intron before coding-DNA position 175, A replaced by G.
Molecular consequence: splice acceptor variant.
Genome position (GRCh38, 1-based): chr2:108,929,381, T>C on the plus strand (A>G on the coding strand, the complement: EDAR is on the minus strand). VCF-style: chr2-108929381-T-C. GRCh37 (hg19) VCF-style: chr2-109545837-T-C.
Identifiers: ClinVar variation 572701 (VCV000572701.8), dbSNP rs757233170, ClinGen allele CA1825161.

ClinVar aggregate classification (germline): Likely pathogenic (1 of 4 stars; one submission).

Conditions:
Autosomal recessive hypohidrotic ectodermal dysplasia syndrome. Also called: Autosomal recessive hypohidrotic ectodermal dysplasia. Identifiers: Orphanet 248, MedGen C0406702, MONDO:0016619.
Ectodermal dysplasia 10A, hypohidrotic/hair/nail type, autosomal dominant (ECTD10A). Also called: Ectodermal Dysplasia 3, Anhidrotic. Identifiers: Orphanet 1810, Orphanet 238468, MedGen C3888065, MONDO:0007509, OMIM 129490.

Allele frequency attached by ClinVar (database versions not stated): gnomAD exomes below 0.00001 and 0.00001; ExAC 0.00001; gnomAD 0.00001; TOPMed 0.00002.
gnomAD v4.1: 3 of 1,613,922 alleles (0.00019%); highest among the groups gnomAD compares: African/African-American, 0.004%; no homozygotes.

Submission:

Labcorp Genetics (formerly Invitae), Labcorp
Classification: Likely pathogenic for Ectodermal dysplasia 10A, hypohidrotic/hair/nail type, autosomal dominant; Autosomal recessive hypohidrotic ectodermal dysplasia syndrome. Last evaluated: 2017-11-22. Review status: criteria provided, single submitter. Criteria: Invitae Variant Classification Sherloc (09022015). Collection method: clinical testing. Allele origin: germline.
Comment: This variant has not been reported in the literature in individuals with EDAR-related disease. In summary, the currently available evidence indicates that the variant is pathogenic, but additional data are needed to prove that conclusively. Therefore, this variant has been classified as Likely Pathogenic. Donor and acceptor splice site variants typically lead to a loss of protein function (PMID: 16199547), and loss-of-function variants in EDAR are known to be pathogenic (PMID: 10431241, 20979233). This variant is present in population databases (rs757233170, ExAC 0.01%). This sequence change affects an acceptor splice site in intron 3 of the EDAR gene. It is expected to disrupt RNA splicing and likely results in an absent or disrupted protein product.

Literature cited by the submitters: PubMed 16199547; PubMed 10431241; PubMed 20979233.